The following is an entry in ClinVar:

ClinVar aggregate classification (germline): Likely pathogenic (1 of 4 stars; one submission).

Conditions:
Childhood-onset schizophrenia. Also called: Childhood schizophrenia. Identifiers: Orphanet 641496, MedGen C0036346, MONDO:0957430.

Allele frequency attached by ClinVar (database versions not stated): TOPMed below 0.00001; gnomAD exomes 0.00001.
gnomAD v4.1: 7 of 1,614,044 alleles (0.00043%); highest among the groups gnomAD compares: East Asian, 0.0022%; no homozygotes.

Submission:

Dr. Guy Rouleau's laboratory, McGill University
Classification: Likely pathogenic for Childhood Onset Schizophrenia. Last evaluated: 2014-01-01. Review status: criteria provided, single submitter. Criteria: Submitter's publication. Collection method: research. Allele origin: de novo. Affected: yes. Observed: 1 variant allele.
Comment: COS with Generalized Anxiety Disorder

Identified by next generation sequencing and validated by Sanger sequencing

NM_003774.5(GALNT4):c.1194C>T (p.Asn398=)

Genes: GALNT4 (polypeptide N-acetylgalactosaminyltransferase 4; minus strand), POC1B (POC1 centriolar protein B; minus strand), POC1B-DUSP6 (POC1B-DUSP6 readthrough; minus strand), POC1B-GALNT4 (POC1B-GALNT4 readthrough; minus strand). Cytogenetic location: 12q21.33.
Variant type: single nucleotide variant.
Coding change: c.1194C>T on transcript NM_003774.5 (MANE Select); coding-DNA position 1194, C replaced by T.
Protein change: p.Asn398=; no amino-acid change (asparagine 398 retained).
Molecular consequence: synonymous variant. On other transcripts: intron variant (2).
Genome position (GRCh38, 1-based): chr12:89,523,356, G>A on the plus strand (C>T on the coding strand, the complement: GALNT4 is on the minus strand). VCF-style: chr12-89523356-G-A. GRCh37 (hg19) VCF-style: chr12-89917133-G-A.
Other names: c.1185C>T, p.Asn395= (NM_001199781.2); c.678C>T, p.Asn226= (NM_001199782.1); c.100+1764C>T (NM_172240.3); c.-27+1764C>T (NM_001199777.2).
Identifiers: ClinVar variation 208386 (VCV000208386.3), dbSNP rs863223348, ClinGen allele CA279865.
Genomic context (GRCh38, chr12:89,523,356, plus strand): 5'-CCGCTCTCGTAGTAATTTTCTTTCAGAAATATCACCATAAGCTTCTTTTCTTGCTGGAGG[G>A]TTTCTATTGTAGAAGTGCTCTTTGTATTCATCCATCCAAACTTCTGCTGCCCGAGCAGTA-3'
Protein context (NP_003765.2, residues 388-408): DEYKEHFYNR[Asn398=]PPARKEAYGD